The following is an entry in ClinVar:

NM_000059.4(BRCA2):c.-39-17_-39-16insAG

Gene: BRCA2 (BRCA2 DNA repair associated; plus strand). Cytogenetic location: 13q13.1.
Variant type: Insertion.
Coding change: c.-39-17_-39-16insAG on transcript NM_000059.4 (MANE Select); 17 bases into the intron before 39 bases upstream of the start codon through 16 bases into the intron before 39 bases upstream of the start codon, AG inserted.
Molecular consequence: intron variant.
Genome position: GRCh38 VCF-style: chr13-32316404-T-TGA. GRCh37 (hg19) VCF-style: chr13-32890541-T-TGA.
Other names: c.-39-17_-39-16insAG (NM_001432077.1, NM_001406720.1, NM_001406719.1 and 1 more transcripts); c.-303+738_-303+739insAG (NM_001406722.1).
Identifiers: ClinVar variation 4722174 (VCV004722174.1).

ClinVar aggregate classification (germline): Uncertain significance (1 of 4 stars; one submission).

Conditions:
Hereditary breast ovarian cancer syndrome. Also called: Hereditary breast and ovarian cancer syndrome; Hereditary breast and ovarian cancer syndrome (HBOC); Breast and ovarian cancer; BRCA1- and BRCA2-Associated Hereditary Breast and Ovarian Cancer; Hereditary breast and/or ovarian cancer syndrome; Hereditary breast and ovarian cancer. Identifiers: Orphanet 145, MedGen C0677776, MeSH D061325, MONDO:0003582. Disease mechanism: loss of function.

Submission:

Labcorp Genetics (formerly Invitae), Labcorp
Classification: Uncertain significance for Hereditary breast ovarian cancer syndrome. Last evaluated: 2025-06-27. Review status: criteria provided, single submitter. Criteria: Invitae Variant Classification Sherloc (09022015). Collection method: clinical testing. Allele origin: germline.
Comment: This sequence change falls in intron 1 of the BRCA2 gene. It does not directly change the encoded amino acid sequence of the BRCA2 protein. This variant is not present in population databases (gnomAD no frequency). This variant has not been reported in the literature in individuals affected with BRCA2-related conditions. Algorithms developed to predict the effect of sequence changes on RNA splicing suggest that this variant may disrupt the consensus splice site. In summary, the available evidence is currently insufficient to determine the role of this variant in disease. Therefore, it has been classified as a Variant of Uncertain Significance.